The following is an entry in ClinVar:

NM_017654.4(SAMD9):c.1228T>G (p.Tyr410Asp)

Gene: SAMD9 (sterile alpha motif domain containing 9; minus strand). Cytogenetic location: 7q21.2.
Variant type: single nucleotide variant.
Coding change: c.1228T>G on transcript NM_017654.4 (MANE Select); coding-DNA position 1228, T replaced by G.
Protein change: p.Tyr410Asp; replaces tyrosine 410 with aspartic acid.
Molecular consequence: missense variant.
Genome position (GRCh38, 1-based): chr7:93,104,870, A>C on the plus strand (T>G on the coding strand, the complement: SAMD9 is on the minus strand). VCF-style: chr7-93104870-A-C. GRCh37 (hg19) VCF-style: chr7-92734183-A-C.
Other names: c.1228T>G, p.Tyr410Asp (NM_001193307.2); short protein forms Y410D.
Identifiers: ClinVar variation 2231044 (VCV002231044.3), dbSNP rs2535360971, ClinGen allele CA368198287.

ClinVar aggregate classification (germline): Likely pathogenic (1 of 4 stars; one submission).

Conditions:
Inborn genetic diseases. Identifiers: MedGen C0950123, MeSH D030342.

Submission:

Ambry Genetics
Classification: Likely pathogenic for Inborn genetic diseases. Last evaluated: 2023-03-15. Review status: criteria provided, single submitter. Criteria: Ambry Variant Classification Scheme 2023. Collection method: clinical testing. Allele origin: germline.
Comment: The c.1228T>G (p.Y410D) alteration is located in exon 3 (coding exon 1) of the SAMD9 gene. This alteration results from a T to G substitution at nucleotide position 1228, causing the tyrosine (Y) at amino acid position 410 to be replaced by an aspartic acid (D)._x000D_ _x000D_ The SAMD9 c.1228T>G (p.Y410D) alteration is classified as likely pathogenic for autosomal dominant MIRAGE syndrome; however, its clinical significance for autosomal recessive normophosphatemic familial tumoral calcinosis is unclear. This variant was not reported in population-based cohorts in the Genome Aggregation Database (gnomAD). This amino acid position is not well conserved in available vertebrate species. This alteration is predicted to be tolerated by in silico analysis. Based on the available evidence, this alteration is classified as likely pathogenic.